The following is an entry in ClinVar:

ClinVar aggregate classification (germline): Uncertain significance. Review status: criteria provided, single submitter (1 of 4 stars). 2 submissions from 2 submitters: Uncertain significance (1). 1 of the submissions does not count toward it. Last evaluated 2025-03-19.

Conditions:
GRIN2D-related disorder. Also called: GRIN2D-related condition.

Allele frequency attached by ClinVar (database versions not stated): gnomAD exomes below 0.00001.
gnomAD v4.1: 3 of 1,362,768 alleles (0.00022%); highest among the groups gnomAD compares: East Asian, 0.0031%; no homozygotes.

Submissions (2):

Labcorp Genetics (formerly Invitae), Labcorp
Classification: Uncertain significance. Last evaluated: 2025-03-19. Review status: criteria provided, single submitter. Criteria: Invitae Variant Classification Sherloc (09022015). Collection method: clinical testing. Allele origin: germline.
Comment: This sequence change replaces glutamic acid, which is acidic and polar, with glycine, which is neutral and non-polar, at codon 1187 of the GRIN2D protein (p.Glu1187Gly). This variant is not present in population databases (gnomAD no frequency). This variant has not been reported in the literature in individuals affected with GRIN2D-related conditions. ClinVar contains an entry for this variant (Variation ID: 2125635). Invitae Evidence Modeling of protein sequence and biophysical properties (such as structural, functional, and spatial information, amino acid conservation, physicochemical variation, residue mobility, and thermodynamic stability) indicates that this missense variant is not expected to disrupt GRIN2D protein function with a negative predictive value of 95%. In summary, the available evidence is currently insufficient to determine the role of this variant in disease. Therefore, it has been classified as a Variant of Uncertain Significance.

PreventionGenetics, part of Exact Sciences
Classification: Uncertain significance for GRIN2D-related condition. Last evaluated: 2024-01-18. Review status: no assertion criteria provided. Collection method: clinical testing. Allele origin: germline. Not counted in ClinVar's aggregate classification.
Comment: The GRIN2D c.3560A>G variant is predicted to result in the amino acid substitution p.Glu1187Gly. To our knowledge, this variant has not been reported in the literature or in a large population database, indicating this variant is rare. At this time, the clinical significance of this variant is uncertain due to the absence of conclusive functional and genetic evidence.

NM_000836.4(GRIN2D):c.3560A>G (p.Glu1187Gly)

Gene: GRIN2D (glutamate ionotropic receptor NMDA type subunit 2D; plus strand). Cytogenetic location: 19q13.33.
Variant type: single nucleotide variant.
Coding change: c.3560A>G on transcript NM_000836.4 (MANE Select); coding-DNA position 3560, A replaced by G.
Protein change: p.Glu1187Gly; replaces glutamic acid 1187 with glycine.
Molecular consequence: missense variant.
Genome position (GRCh38, 1-based): chr19:48,443,486, A>G. VCF-style: chr19-48443486-A-G. GRCh37 (hg19) VCF-style: chr19-48946743-A-G.
Other names: c.3560A>G (NM_000836.2); short protein forms E1187G.
Identifiers: ClinVar variation 2125635 (VCV002125635.6), dbSNP rs2513693531, ClinGen allele CA406676853.